The following is an entry in ClinVar:

NM_002661.5(PLCG2):c.3742A>C (p.Lys1248Gln)

Gene: PLCG2 (phospholipase C gamma 2; plus strand). Cytogenetic location: 16q23.3.
Variant type: single nucleotide variant.
Coding change: c.3742A>C on transcript NM_002661.5 (MANE Select); coding-DNA position 3742, A replaced by C.
Protein change: p.Lys1248Gln; replaces lysine 1248 with glutamine.
Molecular consequence: missense variant.
Genome position (GRCh38, 1-based): chr16:81,956,866, A>C. VCF-style: chr16-81956866-A-C. GRCh37 (hg19) VCF-style: chr16-81990471-A-C.
Other names: short protein forms K1248Q.
Identifiers: ClinVar variation 851305 (VCV000851305.13), dbSNP rs867313284, ClinGen allele CA396898649.
Genomic context (GRCh38, chr16:81,956,866, plus strand): 5'-CGGGATGCCCTGGTTAAAGAGTTCAGTGTTAATGAGAACCAGCTCCAGCTGTACCAGGAG[A>C]AATGCAACAAGAGGTAGGTCAGCCCCTCCACCTGCAAAAACTTTTGGGGGGTCTCTAGGC-3'
Protein context (NP_002652.2, residues 1238-1258): NENQLQLYQE[Lys1248Gln]CNKRLREKRV

ClinVar aggregate classification (germline): Uncertain significance. Review status: criteria provided, multiple submitters, no conflicts (2 of 4 stars). 4 submissions from 4 submitters: Uncertain significance (3). 1 of the submissions does not count toward it. Last evaluated 2025-12-03.

Conditions:
PLCG2-related disorder. Also called: PLCG2-related condition.
Autoinflammation-PLCG2-associated antibody deficiency-immune dysregulation. Also called: Autoinflammation, antibody deficiency, and immune dysregulation syndrome; AUTOINFLAMMATION, ANTIBODY DEFICIENCY, AND IMMUNE DYSREGULATION; Autoinflammation, antibody deficiency, and immune dysregulation, plcg2-associated. Identifiers: Orphanet 324530, MedGen C3553961, MONDO:0013944, OMIM 614878.
Familial cold autoinflammatory syndrome 3 (FCAS3). Also called: FAMILIAL ATYPICAL COLD URTICARIA; ANTIBODY DEFICIENCY AND IMMUNE DYSREGULATION, PLCG2-ASSOCIATED. Identifiers: Orphanet 300359, MedGen C3280914, MONDO:0013766, OMIM 614468.

Allele frequency attached by ClinVar (database versions not stated): gnomAD exomes 0.00001 and 0.00002; gnomAD 0.00002; TOPMed 0.00002.
gnomAD v4.1: 30 of 1,613,338 alleles (0.0019%); highest among the groups gnomAD compares: Non-Finnish European, 0.0024%; no homozygotes.

Submissions (4):

Labcorp Genetics (formerly Invitae), Labcorp
Classification: Uncertain significance for Familial cold autoinflammatory syndrome 3. Last evaluated: 2025-12-03. Review status: criteria provided, single submitter. Criteria: Invitae Variant Classification Sherloc (09022015). Collection method: clinical testing. Allele origin: germline.
Comment: This sequence change replaces lysine, which is basic and polar, with glutamine, which is neutral and polar, at codon 1248 of the PLCG2 protein (p.Lys1248Gln). This variant is present in population databases (no rsID available, gnomAD 0.002%). This variant has not been reported in the literature in individuals affected with PLCG2-related conditions. ClinVar contains an entry for this variant (Variation ID: 851305). An algorithm developed to predict the effect of missense changes on protein structure and function (PolyPhen-2) suggests that this variant is likely to be tolerated. In summary, the available evidence is currently insufficient to determine the role of this variant in disease. Therefore, it has been classified as a Variant of Uncertain Significance.

Clinical Genomics Laboratory, Washington University in St. Louis
Classification: Uncertain significance for Autoinflammation-PLCG2-associated antibody deficiency-immune dysregulation. Last evaluated: 2024-03-29. Review status: criteria provided, single submitter. Criteria: ACMG Guidelines, 2015. Collection method: clinical testing. Allele origin: germline.
Comment: The PLCG2 c.3742A>C (p.Lys1248Gln) variant, to our knowledge, has not been reported in the medical literature. This variant is only observed on 4/280,040 alleles in the general population (gnomAD v.2.1.1), indicating it is not a common variant. Computational predictors suggest that the variant does not impact PLCG2 function. This variant has been reported in the ClinVar database as a germline variant of uncertain significance by two submitters. Due to limited information, and based on ACMG/AMP guidelines for variant interpretation (Richards S et al., PMID: 25741868), the clinical significance of this variant is uncertain at this time.

Fulgent Genetics
Classification: Uncertain significance for Familial cold autoinflammatory syndrome 3; Autoinflammation-PLCG2-associated antibody deficiency-immune dysregulation. Last evaluated: 2022-02-15. Review status: criteria provided, single submitter. Criteria: ACMG Guidelines, 2015. Collection method: clinical testing. Allele origin: unknown.

PreventionGenetics, part of Exact Sciences
Classification: Uncertain significance for PLCG2-related condition. Last evaluated: 2024-03-08. Review status: no assertion criteria provided. Collection method: clinical testing. Allele origin: germline. Not counted in ClinVar's aggregate classification.
Comment: The PLCG2 c.3742A>C variant is predicted to result in the amino acid substitution p.Lys1248Gln. To our knowledge, this variant has not been reported in the literature. This variant is reported in 0.0023% of alleles in individuals of European (Non-Finnish) descent in gnomAD. At this time, the clinical significance of this variant is uncertain due to the absence of conclusive functional and genetic evidence.